The following is an entry in ClinVar:

GRCh37/hg19 22q13.2-13.33(chr22:44178749-51183840)x1

Genes: ACR (acrosin; plus strand), ADM2 (adrenomedullin 2; plus strand), ALG12 (ALG12 alpha-1,6-mannosyltransferase; minus strand), ARHGAP8 (Rho GTPase activating protein 8; plus strand), ARSA (arylsulfatase A; minus strand) and 66 more. Cytogenetic location: 22q13.2-13.33.
Variant type: copy number loss.
Change: copy number 1 (one copy instead of two) of chr22:44,178,749-51,183,840 (7.01 Mb, GRCh37 coordinates, 1-based), cytogenetic band 22q13.2-13.33.
Identifiers: ClinVar variation 1807817 (VCV001807817.1).

ClinVar aggregate classification (germline): Pathogenic (1 of 4 stars; one submission).

Submission:

Quest Diagnostics Nichols Institute San Juan Capistrano
Classification: Pathogenic. Last evaluated: 2021-12-03. Review status: criteria provided, single submitter. Criteria: ACMG/ClinGen CNV Guidelines, 2019. Collection method: clinical testing. Allele origin: unknown.
Comment: The copy number loss of 22q13.2q13.33 involves multiple coding genes, including SHANK3 (OMIM 606230). Haploinsufficiency of SHANK3 is associated with autosomal dominant Phelan-McDermid syndrome (PMS; 22q13.3 deletion syndrome) (OMIM 606232). The phenotype of the syndrome is variable, according to the size of the deleted segment, but is characterized by neonatal hypotonia, global developmental delay, normal to accelerated growth, absent to severely delayed speech, autistic behavior, seizures, and minor dysmorphic features. The loss of 22q13.3 can result from simple deletion, unbalanced translocation, ring chromosome formation, and less common structural changes affecting the long arm of chromosome 22 (Phelan 2008; Sarasua 2014; Zwanenburg 2016; Phelan 2001). Although SHANK3 is the primary phenotype gene for the neurological features of the syndrome, haploinsufficiency of other genes likely contributes to the phenotype, as well. (Disciglio 2014). As hemizygous deletions of this locus have been established in association with a clinical phenotype, the clinical significance of this copy number variant (CNV) is pathogenic. References: 1. Ziats et al., Eur J Med Genet. 2020 Nov;63(11):104042. PMID: 32822873. 2. Phelan, Orphanet J Rare Dis. 2008 May 27;3:14. PMID: 18505557. 3. Sarasua et al., Hum Genet. 2014 Jul;133(7):847-59. PMID: 24481935. 4. Zwanenburg et al., J Neurodev Disord. 2016 Apr 26;8:16. PMID: 27118998. 5. Phelan et al., Am J Med Genet. 2001 Jun 15;101(2):91-9. PMID: 11391650. 6. Disciglio et al., Am J Med Genet A. 2014 Jul;164A(7):1666-76. PMID: 24700646. 7. Phelan K, Rogers RC. Phelan-McDermid Syndrome. 2005 May 11) [GeneReviews [Internet]. Available from an online resource.; Phelan K and McDermid HE. The 22q13.3 Deletion Syndrome (Phelan-McDermid Syndrome). Mol Syndromol. 2012;2(3-5):186-201.